The following is an entry in ClinVar:

NM_021956.5(GRIK2):c.2700G>T (p.Arg900Ser)

Gene: GRIK2 (glutamate ionotropic receptor kainate type subunit 2; plus strand). Cytogenetic location: 6q16.3.
Variant type: single nucleotide variant.
Coding change: c.2700G>T on transcript NM_021956.5 (MANE Select); coding-DNA position 2700, G replaced by T.
Protein change: p.Arg900Ser; replaces arginine 900 with serine.
Molecular consequence: missense variant. On other transcripts: 3 prime UTR variant (2).
Genome position (GRCh38, 1-based): chr6:102,068,484, G>T. VCF-style: chr6-102068484-G-T. GRCh37 (hg19) VCF-style: chr6-102516359-G-T.
Other names: c.*177G>T (NM_175768.3); c.*153G>T (NM_001166247.1); short protein forms R900S.
Identifiers: ClinVar variation 2656799 (VCV002656799.24), dbSNP rs2485483481, ClinGen allele CA365310436.

ClinVar aggregate classification (germline): Uncertain significance (1 of 4 stars; one submission).

gnomAD v4.1: 1 of 1,611,618 alleles (0.000062%); highest among the groups gnomAD compares: Non-Finnish European, 0.000085%; no homozygotes.

Submission:

CeGaT Center for Human Genetics Tuebingen
Classification: Uncertain significance. Last evaluated: 2023-08-01. Review status: criteria provided, single submitter. Criteria: CeGaT Center For Human Genetics Tuebingen Variant Classification Criteria Version 2. Collection method: clinical testing. Allele origin: germline. Affected: yes. Observed: 1 variant allele.
Comment: GRIK2: PM2